The following is an entry in ClinVar:

ClinVar aggregate classification (germline): Benign (0 of 4 stars; one submission).

Conditions:
PUS7-related disorder. Also called: PUS7-related condition.

Allele frequency attached by ClinVar (database versions not stated): 1000 Genomes Project 30x 0.00734; 1000 Genomes Project 0.00739; TOPMed 0.01439; gnomAD 0.01449; ExAC 0.01618; ESP Exome Variant Server 0.01630; gnomAD exomes 0.01721.
gnomAD v4.1: 27,315 of 1,613,962 alleles (1.7%); highest among the groups gnomAD compares: Middle Eastern, 3.7%; 296 homozygotes.

Submission:

PreventionGenetics, part of Exact Sciences
Classification: Benign for PUS7-related condition. Last evaluated: 2019-10-30. Review status: no assertion criteria provided. Collection method: clinical testing. Allele origin: germline.
Comment: This variant is classified as benign based on ACMG/AMP sequence variant interpretation guidelines (Richards et al. 2015 PMID: 25741868, with internal and published modifications).

NM_019042.5(PUS7):c.367C>T (p.His123Tyr)

Gene: PUS7 (pseudouridine synthase 7; minus strand). Cytogenetic location: 7q22.3.
Variant type: single nucleotide variant.
Coding change: c.367C>T on transcript NM_019042.5 (MANE Select); coding-DNA position 367, C replaced by T.
Protein change: p.His123Tyr; replaces histidine 123 with tyrosine.
Molecular consequence: missense variant.
Genome position (GRCh38, 1-based): chr7:105,508,146, G>A on the plus strand (C>T on the coding strand, the complement: PUS7 is on the minus strand). VCF-style: chr7-105508146-G-A. GRCh37 (hg19) VCF-style: chr7-105148593-G-A.
Other names: c.367C>T, p.His123Tyr (NM_001318163.1, NM_001318164.2); short protein forms H123Y.
Identifiers: ClinVar variation 3038250 (VCV003038250.2), dbSNP rs61741425, ClinGen allele CA4426223.